The following is an entry in ClinVar:

NM_002249.6(KCNN3):c.687C>T (p.Ala229=)

Gene: KCNN3 (potassium calcium-activated channel subfamily N member 3; minus strand). Cytogenetic location: 1q21.3.
Variant type: single nucleotide variant.
Coding change: c.687C>T on transcript NM_002249.6 (MANE Select); coding-DNA position 687, C replaced by T.
Protein change: p.Ala229=; no amino-acid change (alanine 229 retained).
Molecular consequence: synonymous variant.
Genome position (GRCh38, 1-based): chr1:154,869,278, G>A on the plus strand (C>T on the coding strand, the complement: KCNN3 is on the minus strand). VCF-style: chr1-154869278-G-A. GRCh37 (hg19) VCF-style: chr1-154841754-G-A.
Other names: c.687C>T, p.Ala229= (NM_001204087.2).
Identifiers: ClinVar variation 3026233 (VCV003026233.23), dbSNP rs771073279, ClinGen allele CA1132241.

ClinVar aggregate classification (germline): Likely benign. Review status: criteria provided, multiple submitters, no conflicts (2 of 4 stars). 2 submissions from 2 submitters: Likely benign (2). Last evaluated 2024-06-28.

Allele frequency attached by ClinVar (database versions not stated): ExAC 0.00001; gnomAD 0.00002.
gnomAD v4.1: 88 of 1,613,886 alleles (0.0055%); highest among the groups gnomAD compares: Non-Finnish European, 0.0073%; no homozygotes.

Submissions (2):

Blueprint Genetics
Classification: Likely benign. Last evaluated: 2024-06-28. Review status: criteria provided, single submitter. Criteria: ACMG Guidelines, 2015. Collection method: clinical testing. Allele origin: germline.

CeGaT Center for Human Genetics Tuebingen
Classification: Likely benign. Last evaluated: 2023-12-01. Review status: criteria provided, single submitter. Criteria: CeGaT Center For Human Genetics Tuebingen Variant Classification Criteria Version 2. Collection method: clinical testing. Allele origin: germline. Affected: yes. Observed: 1 variant allele.
Comment: KCNN3: BP4, BP7